The following is an entry in ClinVar:

ClinVar aggregate classification (germline): Uncertain significance (1 of 4 stars; one submission).

Conditions:
Ullrich congenital muscular dystrophy 2 (UCMD2). Identifiers: Orphanet 75840, MedGen C4225314, MONDO:0014654, OMIM 616470.
Bethlem myopathy 2 (BTHLM2). Identifiers: Orphanet 536516, Orphanet 610, MedGen C4225313, MONDO:0034022, OMIM 616471.

Allele frequency attached by ClinVar (database versions not stated): gnomAD exomes below 0.00001.
gnomAD v4.1: 1 of 1,611,628 alleles (0.000062%); highest among the groups gnomAD compares: Non-Finnish European, 0.000085%; no homozygotes.

Submission:

Labcorp Genetics (formerly Invitae), Labcorp
Classification: Uncertain significance for Bethlem myopathy 2; Ullrich congenital muscular dystrophy 2. Last evaluated: 2022-09-15. Review status: criteria provided, single submitter. Criteria: Invitae Variant Classification Sherloc (09022015). Collection method: clinical testing. Allele origin: germline.
Comment: Advanced modeling of protein sequence and biophysical properties (such as structural, functional, and spatial information, amino acid conservation, physicochemical variation, residue mobility, and thermodynamic stability) performed at Invitae indicates that this missense variant is expected to disrupt COL12A1 protein function. In summary, the available evidence is currently insufficient to determine the role of this variant in disease. Therefore, it has been classified as a Variant of Uncertain Significance. This variant has not been reported in the literature in individuals affected with COL12A1-related conditions. This sequence change replaces threonine, which is neutral and polar, with arginine, which is basic and polar, at codon 2130 of the COL12A1 protein (p.Thr2130Arg). This variant is not present in population databases (gnomAD no frequency).

NM_004370.6(COL12A1):c.6389C>G (p.Thr2130Arg)

Gene: COL12A1 (collagen type XII alpha 1 chain; minus strand). Cytogenetic location: 6q13.
Variant type: single nucleotide variant.
Coding change: c.6389C>G on transcript NM_004370.6 (MANE Select); coding-DNA position 6389, C replaced by G.
Protein change: p.Thr2130Arg; replaces threonine 2130 with arginine.
Molecular consequence: missense variant.
Genome position (GRCh38, 1-based): chr6:75,126,422, G>C on the plus strand (C>G on the coding strand, the complement: COL12A1 is on the minus strand). VCF-style: chr6-75126422-G-C. GRCh37 (hg19) VCF-style: chr6-75836138-G-C.
Other names: c.2897C>G, p.Thr966Arg (NM_080645.3); short protein forms T2130R, T966R.
Identifiers: ClinVar variation 2046901 (VCV002046901.4), dbSNP rs2533243803, ClinGen allele CA364730118.